The following is an entry in ClinVar:

ClinVar aggregate classification (germline): Uncertain significance. Review status: criteria provided, multiple submitters, no conflicts (2 of 4 stars). 3 submissions from 3 submitters: Uncertain significance (2). 1 of the submissions does not count toward it. Last evaluated 2026-01-13.

Conditions:
MRAS-related disorder. Also called: MRAS-related condition.
Inborn genetic diseases. Identifiers: MedGen C0950123, MeSH D030342.

Allele frequency attached by ClinVar (database versions not stated): gnomAD exomes below 0.00001 and 0.00001; ExAC 0.00001; gnomAD 0.00002 and 0.00003; TOPMed 0.00002; ESP Exome Variant Server 0.00008.
gnomAD v4.1: 7 of 1,613,978 alleles (0.00043%); highest among the groups gnomAD compares: Non-Finnish European, 0.00059%; no homozygotes.

Submissions (3):

Labcorp Genetics (formerly Invitae), Labcorp
Classification: Uncertain significance. Last evaluated: 2026-01-13. Review status: criteria provided, single submitter. Criteria: Invitae Variant Classification Sherloc (09022015). Collection method: clinical testing. Allele origin: germline.
Comment: This sequence change replaces leucine, which is neutral and non-polar, with arginine, which is basic and polar, at codon 111 of the MRAS protein (p.Leu111Arg). This variant is present in population databases (rs372879145, gnomAD 0.002%). This variant has not been reported in the literature in individuals affected with MRAS-related conditions. ClinVar contains an entry for this variant (Variation ID: 1486644). An algorithm developed to predict the effect of missense changes on protein structure and function (PolyPhen-2) suggests that this variant is likely to be disruptive. In summary, the available evidence is currently insufficient to determine the role of this variant in disease. Therefore, it has been classified as a Variant of Uncertain Significance.

Ambry Genetics
Classification: Uncertain significance for Inborn genetic diseases. Last evaluated: 2025-06-07. Review status: criteria provided, single submitter. Criteria: Ambry Variant Classification Scheme 2023. Collection method: clinical testing. Allele origin: germline.
Comment: The p.L111R variant (also known as c.332T>G), located in coding exon 2 of the MRAS gene, results from a T to G substitution at nucleotide position 332. The leucine at codon 111 is replaced by arginine, an amino acid with dissimilar properties. This amino acid position is conserved. In addition, this alteration is predicted to be deleterious by in silico analysis. Since supporting evidence is limited at this time, the clinical significance of this alteration remains unclear.

PreventionGenetics, part of Exact Sciences
Classification: Uncertain significance for MRAS-related condition. Last evaluated: 2023-10-19. Review status: no assertion criteria provided. Collection method: clinical testing. Allele origin: germline. Not counted in ClinVar's aggregate classification.
Comment: The MRAS c.332T>G variant is predicted to result in the amino acid substitution p.Leu111Arg. To our knowledge, this variant has not been reported in the literature. This variant is reported in 0.0016% of alleles in individuals of European (Non-Finnish) descent in gnomAD. At this time, the clinical significance of this variant is uncertain due to the absence of conclusive functional and genetic evidence.

NM_001085049.3(MRAS):c.332T>G (p.Leu111Arg)

Gene: MRAS (muscle RAS oncogene homolog; plus strand). Cytogenetic location: 3q22.3.
Variant type: single nucleotide variant.
Coding change: c.332T>G on transcript NM_001085049.3 (MANE Select); coding-DNA position 332, T replaced by G.
Protein change: p.Leu111Arg; replaces leucine 111 with arginine.
Molecular consequence: missense variant.
Genome position (GRCh38, 1-based): chr3:138,397,462, T>G. VCF-style: chr3-138397462-T-G. GRCh37 (hg19) VCF-style: chr3-138116304-T-G.
Other names: c.332T>G, p.Leu111Arg (NM_001252090.2, NM_012219.4); c.104T>G, p.Leu35Arg (NM_001252091.1, NM_001252092.2, NM_001252093.2); c.332T>G (NM_012219.3); short protein forms L111R, L35R.
Identifiers: ClinVar variation 1486644 (VCV001486644.11), dbSNP rs372879145, ClinGen allele CA2636979.